The following is an entry in ClinVar:

ClinVar aggregate classification (germline): Conflicting classifications of pathogenicity. Review status: criteria provided, conflicting classifications (1 of 4 stars). 3 submissions from 3 submitters: Uncertain significance (2); Likely benign (1). Last evaluated 2024-04-16.

Conditions:
Hereditary breast ovarian cancer syndrome. Also called: Hereditary breast and ovarian cancer syndrome; Hereditary breast and ovarian cancer; Hereditary breast and ovarian cancer syndrome (HBOC); Breast and ovarian cancer; Hereditary breast and/or ovarian cancer syndrome; BRCA1- and BRCA2-Associated Hereditary Breast and Ovarian Cancer. Identifiers: Orphanet 145, MedGen C0677776, MeSH D061325, MONDO:0003582. Disease mechanism: loss of function.
Hereditary cancer-predisposing syndrome. Also called: Neoplastic Syndromes, Hereditary; Tumor predisposition; Hereditary Cancer Syndrome; Hereditary neoplastic syndrome. Identifiers: Orphanet 140162, MedGen C0027672, MeSH D009386, MONDO:0015356.

Submissions (3):

Labcorp Genetics (formerly Invitae), Labcorp
Classification: Uncertain significance for Hereditary breast ovarian cancer syndrome. Last evaluated: 2024-04-16. Review status: criteria provided, single submitter. Criteria: Invitae Variant Classification Sherloc (09022015). Collection method: clinical testing. Allele origin: germline.
Comment: This sequence change replaces isoleucine, which is neutral and non-polar, with asparagine, which is neutral and polar, at codon 620 of the BRCA1 protein (p.Ile620Asn). This variant is not present in population databases (gnomAD no frequency). This variant has not been reported in the literature in individuals affected with BRCA1-related conditions. ClinVar contains an entry for this variant (Variation ID: 482931). Advanced modeling of protein sequence and biophysical properties (such as structural, functional, and spatial information, amino acid conservation, physicochemical variation, residue mobility, and thermodynamic stability) performed at Invitae indicates that this missense variant is not expected to disrupt BRCA1 protein function with a negative predictive value of 95%. In summary, the available evidence is currently insufficient to determine the role of this variant in disease. Therefore, it has been classified as a Variant of Uncertain Significance.

University of Washington Department of Laboratory Medicine, University of Washington
Classification: Likely benign for Hereditary cancer-predisposing syndrome. Last evaluated: 2023-03-23. Review status: criteria provided, single submitter. Criteria: Dines et al. (Genet Med. 2020). Collection method: curation. Allele origin: germline.
Comment: Missense variant in a coldspot region where missense variants are very unlikely to be pathogenic (PMID:31911673).

BRCA1 coldspot (exon 11 using historical exon numbering). Reclassification based on statistical prior probability

Ambry Genetics
Classification: Uncertain significance for Hereditary cancer-predisposing syndrome. Last evaluated: 2023-03-08. Review status: criteria provided, single submitter. Criteria: Ambry Variant Classification Scheme 2023. Collection method: clinical testing. Allele origin: germline.
Comment: The p.I620N variant (also known as c.1859T>A), located in coding exon 9 of the BRCA1 gene, results from a T to A substitution at nucleotide position 1859. The isoleucine at codon 620 is replaced by asparagine, an amino acid with dissimilar properties. This amino acid position is not well conserved in available vertebrate species. In addition, the in silico prediction for this alteration is inconclusive. Since supporting evidence is limited at this time, the clinical significance of this alteration remains unclear.

NM_007294.4(BRCA1):c.1859T>A (p.Ile620Asn)

Gene: BRCA1 (BRCA1 DNA repair associated; minus strand). Cytogenetic location: 17q21.31.
Variant type: single nucleotide variant.
Coding change: c.1859T>A on transcript NM_007294.4 (MANE Select); coding-DNA position 1859, T replaced by A.
Protein change: p.Ile620Asn; replaces isoleucine 620 with asparagine.
Molecular consequence: missense variant. On other transcripts: intron variant (137).
Genome position (GRCh38, 1-based): chr17:43,093,672, A>T on the plus strand (T>A on the coding strand, the complement: BRCA1 is on the minus strand). VCF-style: chr17-43093672-A-T. GRCh37 (hg19) VCF-style: chr17-41245689-A-T.
Other names: c.646+1072T>A (NM_001408452.1, NM_001408457.1, NM_001408460.1 and 11 more transcripts); c.523+1072T>A (NM_001408497.1, NM_001408496.1, NM_001408499.1 and 3 more transcripts); c.787+1072T>A (NM_001407973.1, NM_001408403.1, NM_001407983.1 and 19 more transcripts); c.404-2640T>A (NM_001408511.1); c.520+1072T>A (NM_001408505.1, NM_001408504.1, NM_001408503.1); c.460+2174T>A (NM_001408507.1, NM_001408506.1); c.545-2640T>A (NM_001408495.1); c.661+1072T>A (NM_001408448.1, NM_001408445.1, NM_001408432.1 and 6 more transcripts); and 40 more; short protein forms I620N, I573N, I492N, I509N, I531N, I549N, I550N, I552N.
Identifiers: ClinVar variation 482931 (VCV000482931.16), dbSNP rs1555591085, ClinGen allele CA10598302.
Genomic context (GRCh38, chr17:43,093,672, plus strand): 5'-TGCAATTCAGTACAATTAGGTGGGCTTAGATTTCTACTGACTACTAGTTCAAGCGCATGA[A>T]TATGCCTGGTAGAAGACTTCCTCCTCAGCCTATTCTTTTTAGGTGCTTTTGAATTGTGGA-3'
Protein context (NP_009225.1, residues 610-630): RLRRKSSTRH[Ile620Asn]HALELVVSRN